The following is an entry in ClinVar:

ClinVar aggregate classification (germline): Uncertain significance (1 of 4 stars; one submission).

Conditions:
Inborn genetic diseases. Identifiers: MedGen C0950123, MeSH D030342.

Submission:

Ambry Genetics
Classification: Uncertain significance for Inborn genetic diseases. Last evaluated: 2019-11-14. Review status: criteria provided, single submitter. Criteria: Ambry Variant Classification Scheme 2023. Collection method: clinical testing. Allele origin: germline.
Comment: The p.L10V variant (also known as c.28C>G), located in coding exon 1 of the MTMR2 gene, results from a C to G substitution at nucleotide position 28. The leucine at codon 10 is replaced by valine, an amino acid with highly similar properties. This amino acid position is well conserved in available vertebrate species. In addition, the in silico prediction for this alteration is inconclusive. Since supporting evidence is limited at this time, the clinical significance of this alteration remains unclear.

NM_016156.6(MTMR2):c.28C>G (p.Leu10Val)

Gene: MTMR2 (myotubularin related protein 2; minus strand). Cytogenetic location: 11q21.
Variant type: single nucleotide variant.
Coding change: c.28C>G on transcript NM_016156.6 (MANE Select); coding-DNA position 28, C replaced by G.
Protein change: p.Leu10Val; replaces leucine 10 with valine.
Molecular consequence: missense variant. On other transcripts: 5 prime UTR variant (3).
Genome position (GRCh38, 1-based): chr11:95,923,927, G>C on the plus strand (C>G on the coding strand, the complement: MTMR2 is on the minus strand). VCF-style: chr11-95923927-G-C. GRCh37 (hg19) VCF-style: chr11-95657091-G-C.
Other names: c.-456C>G (NM_001243571.2); c.-383C>G (NM_201278.3); c.-260C>G (NM_201281.3); short protein forms L10V.
Identifiers: ClinVar variation 1797413 (VCV001797413.2), dbSNP rs1344100328, ClinGen allele CA382416509.
Genomic context (GRCh38, chr11:95,923,927, plus strand): 5'-CTGGTTACCTGGACAAGGAGTCCACGCTGGGCGGCCGAGCCGCCGCCGGCTGGGAGCCAA[G>C]ACTCTCGCAGCTCGAGCTCTTCTCCATCGCGCGGCAGGGGCAGCACAGGGAAAGGCTGAA-3'
Protein context (NP_057240.3, residues 1-20): MEKSSSCES[Leu10Val]GSQPAAARPP